The following is an entry in ClinVar:

NM_005869.4(CWC27):c.1376A>G (p.Glu459Gly)

Gene: CWC27 (CWC27 spliceosome associated cyclophilin; plus strand). Cytogenetic location: 5q12.3.
Variant type: single nucleotide variant.
Coding change: c.1376A>G on transcript NM_005869.4 (MANE Select); coding-DNA position 1376, A replaced by G.
Protein change: p.Glu459Gly; replaces glutamic acid 459 with glycine.
Molecular consequence: missense variant. On other transcripts: 3 prime UTR variant (1).
Genome position (GRCh38, 1-based): chr5:65,018,278, A>G. VCF-style: chr5-65018278-A-G. GRCh37 (hg19) VCF-style: chr5-64314105-A-G.
Other names: c.*96A>G (NM_001297644.1); short protein forms E459G.
Identifiers: ClinVar variation 1349005 (VCV001349005.5), dbSNP rs780017251, ClinGen allele CA3282295.

ClinVar aggregate classification (germline): Uncertain significance (1 of 4 stars; one submission).

Allele frequency attached by ClinVar (database versions not stated): ExAC 0.00001.

Submission:

Labcorp Genetics (formerly Invitae), Labcorp
Classification: Uncertain significance. Last evaluated: 2022-02-09. Review status: criteria provided, single submitter. Criteria: Invitae Variant Classification Sherloc (09022015). Collection method: clinical testing. Allele origin: germline.
Comment: In summary, the available evidence is currently insufficient to determine the role of this variant in disease. Therefore, it has been classified as a Variant of Uncertain Significance. Algorithms developed to predict the effect of missense changes on protein structure and function (SIFT, PolyPhen-2, Align-GVGD) all suggest that this variant is likely to be tolerated. This variant has not been reported in the literature in individuals affected with CWC27-related conditions. The frequency data for this variant in the population databases is considered unreliable, as metrics indicate poor data quality at this position in the gnomAD database. This sequence change replaces glutamic acid, which is acidic and polar, with glycine, which is neutral and non-polar, at codon 459 of the CWC27 protein (p.Glu459Gly).